The following is an entry in ClinVar:

ClinVar aggregate classification (germline): Uncertain significance. Review status: criteria provided, multiple submitters, no conflicts (2 of 4 stars). 2 submissions from 2 submitters: Uncertain significance (2). Last evaluated 2026-06-13.

Conditions:
Multiple endocrine neoplasia, type 2 (MEN2). Identifiers: Orphanet 653, MedGen C4048306, MONDO:0019003. Disease mechanism: gain of function.
Hereditary cancer-predisposing syndrome. Also called: Tumor predisposition; Hereditary neoplastic syndrome; Neoplastic Syndromes, Hereditary; Hereditary Cancer Syndrome. Identifiers: Orphanet 140162, MedGen C0027672, MeSH D009386, MONDO:0015356.

Allele frequency attached by ClinVar (database versions not stated): gnomAD exomes below 0.00001.
gnomAD v4.1: 2 of 1,537,380 alleles (0.00013%); highest among the groups gnomAD compares: Non-Finnish European, 0.000088%; no homozygotes.

Submissions (2):

Ambry Genetics
Classification: Uncertain significance for Hereditary cancer-predisposing syndrome. Last evaluated: 2026-06-13. Review status: criteria provided, single submitter. Criteria: Ambry Variant Classification Scheme 2023. Collection method: clinical testing. Allele origin: germline.
Comment: The p.T753P variant (also known as c.2257A>C), located in coding exon 12 of the RET gene, results from an A to C substitution at nucleotide position 2257. The threonine at codon 753 is replaced by proline, an amino acid with highly similar properties. This amino acid position is conserved. In addition, this alteration is predicted to be deleterious by in silico analysis. Based on the available evidence, the clinical significance of this variant remains unclear.

Labcorp Genetics (formerly Invitae), Labcorp
Classification: Uncertain significance for Multiple endocrine neoplasia, type 2. Last evaluated: 2023-08-10. Review status: criteria provided, single submitter. Criteria: Invitae Variant Classification Sherloc (09022015). Collection method: clinical testing. Allele origin: germline.
Comment: In summary, the available evidence is currently insufficient to determine the role of this variant in disease. Therefore, it has been classified as a Variant of Uncertain Significance. An algorithm developed to predict the effect of missense changes on protein structure and function (PolyPhen-2) suggests that this variant is likely to be disruptive. This variant has not been reported in the literature in individuals affected with RET-related conditions. This variant is not present in population databases (gnomAD no frequency). This sequence change replaces threonine, which is neutral and polar, with proline, which is neutral and non-polar, at codon 753 of the RET protein (p.Thr753Pro).

NM_020975.6(RET):c.2257A>C (p.Thr753Pro)

Gene: RET (ret proto-oncogene; plus strand). Cytogenetic location: 10q11.21.
Variant type: single nucleotide variant.
Coding change: c.2257A>C on transcript NM_020975.6 (MANE Select); coding-DNA position 2257, A replaced by C.
Protein change: p.Thr753Pro; replaces threonine 753 with proline.
Molecular consequence: missense variant.
Genome position (GRCh38, 1-based): chr10:43,116,704, A>C. VCF-style: chr10-43116704-A-C. GRCh37 (hg19) VCF-style: chr10-43612152-A-C.
Other names: c.2257A>C, p.Thr753Pro (NM_000323.2, NM_001406743.1, NM_001406744.1 and 4 more transcripts); c.1495A>C, p.Thr499Pro (NM_001355216.2); c.2128A>C, p.Thr710Pro (NM_001406761.1, NM_001406762.1, NM_001406764.1); c.2122A>C, p.Thr708Pro (NM_001406763.1, NM_001406765.1); c.1969A>C, p.Thr657Pro (NM_001406766.1, NM_001406767.1, NM_001406770.1); c.1993A>C, p.Thr665Pro (NM_001406768.1); c.1861A>C, p.Thr621Pro (NM_001406769.1, NM_001406772.1); c.1819A>C, p.Thr607Pro (NM_001406771.1, NM_001406773.1); and 10 more; short protein forms T511P, T607P, T621P, T665P, T708P, T318P, T409P, T454P.
Identifiers: ClinVar variation 2751477 (VCV002751477.4), dbSNP rs1838079291, ClinGen allele CA376554793.
Genomic context (GRCh38, chr10:43,116,704, plus strand): 5'-GGCGAATTTGGAAAAGTGGTCAAGGCAACGGCCTTCCATCTGAAAGGCAGAGCAGGGTAC[A>C]CCACGGTGGCCGTGAAGATGCTGAAAGGTACCTGCCAGGCACAGGCACAGTGCCCCTGGG-3'
Protein context (NP_066124.1, residues 743-763): AFHLKGRAGY[Thr753Pro]TVAVKMLKEN